The following is an entry in ClinVar:

NM_000168.6(GLI3):c.1062C>G (p.Pro354=)

Gene: GLI3 (GLI family zinc finger 3; minus strand). Cytogenetic location: 7p14.1.
Variant type: single nucleotide variant.
Coding change: c.1062C>G on transcript NM_000168.6 (MANE Select); coding-DNA position 1062, C replaced by G.
Protein change: p.Pro354=; no amino-acid change (proline 354 retained).
Molecular consequence: synonymous variant.
Genome position (GRCh38, 1-based): chr7:42,026,379, G>C on the plus strand (C>G on the coding strand, the complement: GLI3 is on the minus strand). VCF-style: chr7-42026379-G-C. GRCh37 (hg19) VCF-style: chr7-42065978-G-C.
Identifiers: ClinVar variation 3031051 (VCV003031051.2), dbSNP rs1446107833, ClinGen allele CA454527722.

ClinVar aggregate classification (germline): Likely benign (0 of 4 stars; one submission).

Conditions:
GLI3-related disorder. Also called: GLI3-related condition; GLI3-related disorders. Identifiers: MedGen CN239292.

gnomAD v4.1: 5 of 1,614,144 alleles (0.00031%); highest among the groups gnomAD compares: South Asian, 0.0011%; no homozygotes.

Submission:

PreventionGenetics, part of Exact Sciences
Classification: Likely benign for GLI3-related condition. Last evaluated: 2020-11-19. Review status: no assertion criteria provided. Collection method: clinical testing. Allele origin: germline.
Comment: This variant is classified as likely benign based on ACMG/AMP sequence variant interpretation guidelines (Richards et al. 2015 PMID: 25741868, with internal and published modifications).